The following is an entry in ClinVar:

NM_000171.4(GLRA1):c.-196C>T

Gene: GLRA1 (glycine receptor alpha 1; minus strand). Cytogenetic location: 5q33.1.
Variant type: single nucleotide variant.
Coding change: c.-196C>T on transcript NM_000171.4 (MANE Select); 196 bases upstream of the start codon, C replaced by T.
Molecular consequence: 5 prime UTR variant.
Genome position (GRCh38, 1-based): chr5:151,924,745, G>A on the plus strand (C>T on the coding strand, the complement: GLRA1 is on the minus strand). VCF-style: chr5-151924745-G-A. GRCh37 (hg19) VCF-style: chr5-151304306-G-A.
Other names: c.-196C>T (NM_001146040.2); c.-317C>T (NM_001292000.2).
Identifiers: ClinVar variation 352328 (VCV000352328.7), dbSNP rs2071221, ClinGen allele CA10619772.

ClinVar aggregate classification (germline): Benign. Review status: criteria provided, multiple submitters, no conflicts (2 of 4 stars). 2 submissions from 2 submitters: Benign (2). Last evaluated 2018-07-17.

Conditions:
Hyperekplexia 1 (STHE). Also called: EXAGGERATED STARTLE REACTION; KOK DISEASE; STARTLE DISEASE, FAMILIAL; STIFF-BABY SYNDROME; STIFF-MAN SYNDROME, CONGENITAL; STIFF-PERSON SYNDROME, CONGENITAL. Identifiers: Orphanet 3197, MedGen C4551954, MONDO:0007868, OMIM 149400.

Allele frequency attached by ClinVar (database versions not stated): 1000 Genomes Project 30x 0.41084; gnomAD 0.41437 and 0.41914; 1000 Genomes Project 0.41613; TOPMed 0.42402; gnomAD exomes 0.47108.
gnomAD v4.1: 297,091 of 647,816 alleles (46%); highest among the groups gnomAD compares: East Asian, 60%; 70,134 homozygotes.

Submissions (2):

GeneDx
Classification: Benign. Last evaluated: 2018-07-17. Review status: criteria provided, single submitter. Criteria: GeneDx Variant Classification Process June 2021. Collection method: clinical testing. Allele origin: germline. Affected: yes.

Illumina Laboratory Services, Illumina
Classification: Benign for Hyperekplexia 1. Last evaluated: 2018-01-12. Review status: criteria provided, single submitter. Criteria: ICSL Variant Classification Criteria 13 December 2019. Collection method: clinical testing. Allele origin: germline.
Comment: This variant was observed in the ICSL laboratory as part of a predisposition screen in an ostensibly healthy population. It had not been previously curated by ICSL or reported in the Human Gene Mutation Database (HGMD: prior to June 1st, 2018), and was therefore a candidate for classification through an automated scoring system. Utilizing variant allele frequency, disease prevalence and penetrance estimates, and inheritance mode, an automated score was calculated to assess if this variant is too frequent to cause the disease. Based on the score and internal cut-off values, a variant classified as benign is not then subjected to further curation. The score for this variant resulted in a classification of benign for this disease.